The following is an entry in ClinVar:

ClinVar aggregate classification (germline): Uncertain significance (1 of 4 stars; one submission).

Submission:

GeneDx
Classification: Uncertain significance. Last evaluated: 2024-09-15. Review status: criteria provided, single submitter. Criteria: GeneDx Variant Classification Process June 2021. Collection method: clinical testing. Allele origin: germline. Affected: yes.
Comment: Not observed at significant frequency in large population cohorts (gnomAD); Has not been previously published as pathogenic or benign to our knowledge; Canonical splice site variant in a gene for which loss-of-function is not a known mechanism of disease

NM_000836.4(GRIN2D):c.2252+1G>A

Gene: GRIN2D (glutamate ionotropic receptor NMDA type subunit 2D; plus strand). Cytogenetic location: 19q13.33.
Variant type: single nucleotide variant.
Coding change: c.2252+1G>A on transcript NM_000836.4 (MANE Select); the canonical splice donor site of the intron after coding-DNA position 2252, G replaced by A.
Molecular consequence: splice donor variant.
Genome position (GRCh38, 1-based): chr19:48,421,946, G>A. VCF-style: chr19-48421946-G-A. GRCh37 (hg19) VCF-style: chr19-48925203-G-A.
Identifiers: ClinVar variation 3770103 (VCV003770103.1).
Genomic context (GRCh38, chr19:48,421,946, plus strand): 5'-CTACATGGTGCGCTACAACCAGCCCCGCGTAGAGGAAGCGCTCACTCAGCTCAAGGCAGG[G>A]TCAGCGCAGACTCGGGCCGGGGGTGGGGGTTGGGCCGCTGGGGACCTGAGGATGCTCAAA-3'